The following is an entry in ClinVar:

ClinVar aggregate classification (germline): Uncertain significance (1 of 4 stars; one submission).

Allele frequency attached by ClinVar (database versions not stated): gnomAD exomes below 0.00001; TOPMed below 0.00001.
gnomAD v4.1: 3 of 1,608,034 alleles (0.00019%); highest among the groups gnomAD compares: South Asian, 0.0011%; no homozygotes.

Submission:

Labcorp Genetics (formerly Invitae), Labcorp
Classification: Uncertain significance. Last evaluated: 2024-08-29. Review status: criteria provided, single submitter. Criteria: Invitae Variant Classification Sherloc (09022015). Collection method: clinical testing. Allele origin: germline.
Comment: This sequence change replaces alanine, which is neutral and non-polar, with valine, which is neutral and non-polar, at codon 451 of the PPP3CA protein (p.Ala451Val). This variant is present in population databases (no rsID available, gnomAD 0.003%). This variant has not been reported in the literature in individuals affected with PPP3CA-related conditions. ClinVar contains an entry for this variant (Variation ID: 1722228). An algorithm developed to predict the effect of missense changes on protein structure and function (PolyPhen-2) suggests that this variant is likely to be disruptive. In summary, the available evidence is currently insufficient to determine the role of this variant in disease. Therefore, it has been classified as a Variant of Uncertain Significance.

NM_000944.5(PPP3CA):c.1352C>T (p.Ala451Val)

Gene: PPP3CA (protein phosphatase 3 catalytic subunit alpha; minus strand). Cytogenetic location: 4q24.
Variant type: single nucleotide variant.
Coding change: c.1352C>T on transcript NM_000944.5 (MANE Select); coding-DNA position 1352, C replaced by T.
Protein change: p.Ala451Val; replaces alanine 451 with valine.
Molecular consequence: missense variant. On other transcripts: intron variant (2).
Genome position (GRCh38, 1-based): chr4:101,029,183, G>A on the plus strand (C>T on the coding strand, the complement: PPP3CA is on the minus strand). VCF-style: chr4-101029183-G-A. GRCh37 (hg19) VCF-style: chr4-101950340-G-A.
Other names: c.1213+3084C>T (NM_001130692.2); c.1339+3084C>T (NM_001130691.2); short protein forms A451V.
Identifiers: ClinVar variation 1722228 (VCV001722228.5), dbSNP rs1330073156, ClinGen allele CA357947906.